The following is an entry in ClinVar:

NM_024884.3(L2HGDH):c.427C>T (p.Gln143Ter)

Gene: L2HGDH (L-2-hydroxyglutarate dehydrogenase; minus strand). Cytogenetic location: 14q21.3.
Variant type: single nucleotide variant.
Coding change: c.427C>T on transcript NM_024884.3 (MANE Select); coding-DNA position 427, C replaced by T.
Protein change: p.Gln143Ter; replaces glutamine 143 with a stop codon.
Molecular consequence: nonsense. On other transcripts: 5 prime UTR variant (4).
Genome position (GRCh38, 1-based): chr14:50,294,228, G>A on the plus strand (C>T on the coding strand, the complement: L2HGDH is on the minus strand). VCF-style: chr14-50294228-G-A. GRCh37 (hg19) VCF-style: chr14-50760946-G-A.
Other names: c.427C>T, p.Gln143Ter (NM_001425212.1); c.316C>T, p.Gln106Ter (NM_001425213.1, NM_001425214.1); c.-199C>T (NM_001425215.1, NM_001425218.1); c.-120C>T (NM_001425216.1); c.-277C>T (NM_001425217.1); short protein forms Q143*, Q106*.
Identifiers: ClinVar variation 3689720 (VCV003689720.2).

ClinVar aggregate classification (germline): Pathogenic (1 of 4 stars; one submission).

Conditions:
L-2-hydroxyglutaric aciduria (L2HGA). Identifiers: Orphanet 79314, MedGen C1855995, MONDO:0009370, OMIM 236792, HP:0040144.

gnomAD v4.1: 1 of 1,611,780 alleles (0.000062%); highest among the groups gnomAD compares: African/African-American, 0.0013%; no homozygotes.

Submission:

Labcorp Genetics (formerly Invitae), Labcorp
Classification: Pathogenic for L-2-hydroxyglutaric aciduria. Last evaluated: 2024-04-20. Review status: criteria provided, single submitter. Criteria: Invitae Variant Classification Sherloc (09022015). Collection method: clinical testing. Allele origin: germline.
Comment: This sequence change creates a premature translational stop signal (p.Gln143*) in the L2HGDH gene. It is expected to result in an absent or disrupted protein product. Loss-of-function variants in L2HGDH are known to be pathogenic (PMID: 16134148, 20052767). This variant is not present in population databases (gnomAD no frequency). This variant has not been reported in the literature in individuals affected with L2HGDH-related conditions. For these reasons, this variant has been classified as Pathogenic.

Literature cited by the submitters: PubMed 16134148; PubMed 20052767.